The following is an entry in ClinVar:

NM_177438.3(DICER1):c.2040+1G>T

Gene: DICER1 (dicer 1, ribonuclease III; minus strand). Cytogenetic location: 14q32.13.
Variant type: single nucleotide variant.
Coding change: c.2040+1G>T on transcript NM_177438.3 (MANE Select); the canonical splice donor site of the intron after coding-DNA position 2040, G replaced by T.
Molecular consequence: splice donor variant.
Genome position (GRCh38, 1-based): chr14:95,113,091, C>A on the plus strand (G>T on the coding strand, the complement: DICER1 is on the minus strand). VCF-style: chr14-95113091-C-A. GRCh37 (hg19) VCF-style: chr14-95579428-C-A.
Other names: 5' splice site, intron 12; c.2040+1G>T (NM_001291628.2, NM_030621.4, NM_001395677.1 and 12 more transcripts); c.1635+1G>T (NM_001395690.1, NM_001395687.1, NM_001395689.1 and 3 more transcripts); c.1758+1G>T (NM_001395686.1); c.1473+1G>T (NM_001395691.1); c.357+1G>T (NM_001395697.1).
Identifiers: ClinVar variation 254302 (VCV000254302.6), dbSNP rs886037683, ClinGen allele CA10586446.
Genomic context (GRCh38, chr14:95,113,091, plus strand): 5'-TGAAAAAATCCACTAATGACACATTTTAAAAGATAACAATCATTTCTTCTTCTAAACTTA[C>A]AACAATGGAGGCTCGAAGAGGTGAGTTAATTGGCAGATAAAGAGTTGAATAAAATGTACC-3'

ClinVar aggregate classification (germline): Pathogenic. Review status: criteria provided, multiple submitters, no conflicts (2 of 4 stars). 3 submissions from 3 submitters: Pathogenic (3). Last evaluated 2024-02-24.

Conditions:
DICER1-related tumor predisposition. Also called: DICER1 syndrome; DICER1-related pleuropulmonary blastoma cancer predisposition syndrome. Identifiers: Orphanet 284343, MedGen C3839822, MONDO:0100216.

Submissions (3):

Labcorp Genetics (formerly Invitae), Labcorp
Classification: Pathogenic for DICER1-related tumor predisposition. Last evaluated: 2024-02-24. Review status: criteria provided, single submitter. Criteria: Invitae Variant Classification Sherloc (09022015). Collection method: clinical testing. Allele origin: germline.
Comment: This sequence change affects a donor splice site in intron 12 of the DICER1 gene. It is expected to disrupt RNA splicing. Variants that disrupt the donor or acceptor splice site typically lead to a loss of protein function (PMID: 16199547), and loss-of-function variants in DICER1 are known to be pathogenic (PMID: 19556464, 21266384). This variant is not present in population databases (gnomAD no frequency). Disruption of this splice site has been observed in individual(s) with DICER1-related conditions (PMID: 25118636). ClinVar contains an entry for this variant (Variation ID: 254302). Algorithms developed to predict the effect of sequence changes on RNA splicing suggest that this variant may disrupt the consensus splice site. For these reasons, this variant has been classified as Pathogenic.

Foulkes Cancer Genetics LDI, Lady Davis Institute for Medical Research
Classification: Pathogenic for Pleuropulmonary blastoma. Last evaluated: 2019-07-01. Review status: criteria provided, single submitter. Criteria: ACMG Guidelines, 2015. Collection method: curation. Allele origin: germline. Affected: yes. Observed: 3 variant alleles.
Comment: ACMG criteria met: PVS1, PM2, PM7, PP4

International Pleuropulmonary Blastoma Registry, Children's Hospitals and Clinics of Minnesota
Classification: Pathogenic for Pleuropulmonary blastoma. Last evaluated: 2014-11-10. Review status: criteria provided, single submitter. Criteria: Hill et al. (Science. 2009). Collection method: clinical testing. Allele origin: germline. Affected: yes. Study: PPB-DICER1 Genetic study.

Literature cited by the submitters: PubMed 16199547 (cited by Labcorp Genetics (formerly Invitae), Labcorp); PubMed 19556464 (cited by Labcorp Genetics (formerly Invitae), Labcorp); PubMed 21266384 (cited by Labcorp Genetics (formerly Invitae), Labcorp); PubMed 25118636 (cited by Labcorp Genetics (formerly Invitae), Labcorp and Foulkes Cancer Genetics LDI, Lady Davis Institute for Medical Research); PubMed 24909177 (cited by Foulkes Cancer Genetics LDI, Lady Davis Institute for Medical Research); PubMed 26925222 (cited by Foulkes Cancer Genetics LDI, Lady Davis Institute for Medical Research and International Pleuropulmonary Blastoma Registry, Children's Hospitals and Clinics of Minnesota).